The following is an entry in ClinVar:

ClinVar aggregate classification (germline): Conflicting classifications of pathogenicity. Review status: criteria provided, conflicting classifications (1 of 4 stars). 2 submissions from 2 submitters: Likely pathogenic (1); Uncertain significance (1). Last evaluated 2020-01-03.

Conditions:
Familial X-linked hypophosphatemic vitamin D refractory rickets (XLHRD). Also called: X-Linked Hypophosphatemia; Hypophosphatemic Rickets, X-Linked Dominant; HYPOPHOSPHATEMIC VITAMIN D-RESISTANT RICKETS; Hypophosphatemia, vitamin D-resistant rickets; Vitamin D-resistant rickets, X-linked. Identifiers: Orphanet 89936, MedGen C0733682, MONDO:0010619, OMIM 307800.

Submissions (2):

Revvity Omics, Revvity
Classification: Uncertain significance for Familial X-linked hypophosphatemic vitamin D refractory rickets. Last evaluated: 2020-01-03. Review status: criteria provided, single submitter. Criteria: ACMG Guidelines, 2015. Collection method: clinical testing. Allele origin: germline.

Neuberg Centre For Genomic Medicine, NCGM
Classification: Likely pathogenic for Familial X-linked hypophosphatemic vitamin D refractory rickets. Review status: criteria provided, single submitter. Criteria: ACMG Guidelines, 2015. Collection method: clinical testing. Allele origin: germline. Inheritance: X-linked inheritance. Affected: yes.
Comment: The missense variant c.1946G>A (p.Gly649Asp) in the PHEX gene has been reported in three individuals in a family affected with rickets (Kinoshita Y. et al., 2012). This variant is novel (not in any individuals) in gnomAD Exomes and 1000 Genomes. The amino acid Glycine at position 649 is changed to a Aspartic acid changing protein sequence and it might alter its composition and physico-chemical properties. The variant is predicted to be damaging by both SIFT and PolyPhen2. The residue is conserved across species. For these reasons, this variant has been classified as Likely Pathogenic.

NM_000444.6(PHEX):c.1946G>A (p.Gly649Asp)

Genes: PHEX (phosphate regulating endopeptidase X-linked; plus strand), PTCHD1-AS (PTCHD1 and PHEX antisense RNA; minus strand). Cytogenetic location: Xp22.11.
Variant type: single nucleotide variant.
Coding change: c.1946G>A on transcript NM_000444.6 (MANE Select); coding-DNA position 1946, G replaced by A.
Protein change: p.Gly649Asp; replaces glycine 649 with aspartic acid.
Molecular consequence: missense variant.
Genome position (GRCh38, 1-based): chrX:22,226,489, G>A. VCF-style: chrX-22226489-G-A. GRCh37 (hg19) VCF-style: chrX-22244606-G-A.
Other names: c.1946G>A, p.Gly649Asp (NM_001282754.2); short protein forms G649D.
Identifiers: ClinVar variation 2434681 (VCV002434681.3), dbSNP rs2518674832, ClinGen allele CA412574227.
Genomic context (GRCh38, chrX:22,226,489, plus strand): 5'-TTTCTTTCTGTTAGGTCAAGGGGAAGAGGACCCTGGGAGAAAATATTGCTGATAATGGAG[G>A]CCTGCGGGAAGCTTTTAGGGTATGCGCTGCTACATTTACCGTGGTTCTAAAAATCAAGCC-3'
Protein context (NP_000435.3, residues 639-659): TLGENIADNG[Gly649Asp]LREAFRAYRK